The following is an entry in ClinVar:

ClinVar aggregate classification (germline): Uncertain significance. Review status: criteria provided, multiple submitters, no conflicts (2 of 4 stars). 3 submissions from 3 submitters: Uncertain significance (3). Last evaluated 2025-08-10.

Conditions:
RYR1-related disorder. Also called: RYR1-related condition; RYR1-related disorders. Identifiers: MedGen CN239331.

Submissions (3):

Labcorp Genetics (formerly Invitae), Labcorp
Classification: Uncertain significance for RYR1-related disorder. Last evaluated: 2025-08-10. Review status: criteria provided, single submitter. Criteria: Invitae Variant Classification Sherloc (09022015). Collection method: clinical testing. Allele origin: germline.
Comment: This variant, c.12803_12817dup, results in the insertion of 5 amino acid(s) of the RYR1 protein (p.Ala4268_Ala4272dup), but otherwise preserves the integrity of the reading frame. This variant is present in population databases (no rsID available, gnomAD 0.01%). This variant has not been reported in the literature in individuals affected with RYR1-related conditions. ClinVar contains an entry for this variant (Variation ID: 2649813). Experimental studies and prediction algorithms are not available or were not evaluated, and the functional significance of this variant is currently unknown. In summary, the available evidence is currently insufficient to determine the role of this variant in disease. Therefore, it has been classified as a Variant of Uncertain Significance.

Revvity Omics, Revvity
Classification: Uncertain significance. Last evaluated: 2024-04-04. Review status: criteria provided, single submitter. Criteria: ACMG Guidelines, 2015. Collection method: clinical testing. Allele origin: germline.

CeGaT Center for Human Genetics Tuebingen
Classification: Uncertain significance. Last evaluated: 2022-11-01. Review status: criteria provided, single submitter. Criteria: CeGaT Center For Human Genetics Tuebingen Variant Classification Criteria Version 2. Collection method: clinical testing. Allele origin: germline. Affected: yes. Observed: 1 variant allele.
Comment: RYR1: PM2, PM4

NM_000540.3(RYR1):c.12803_12817dup (p.Ala4272_Glu4273insAlaGluAlaGlyAla)

Gene: RYR1 (ryanodine receptor 1; plus strand). Cytogenetic location: 19q13.2.
Variant type: Duplication.
Coding change: c.12803_12817dup on transcript NM_000540.3 (MANE Select); coding-DNA positions 12803 to 12817, 15 bases duplicated (CGGAGGCGGGCGCGG).
Protein change: p.Ala4272_Glu4273insAlaGluAlaGlyAla.
Molecular consequence: inframe insertion.
Genome position (GRCh38, 1-based): chr19:38,565,137-38,565,151, CGGAGGCGGGCGCGG duplicated; duplicating any 15 consecutive bases within chr19:38,565,127-38,565,151 gives the same sequence; the c. name uses the placement nearest the transcript's 3' end. VCF-style (leftmost placement, unchanged base first): chr19-38565126-C-CGCGGGCGCGGCGGAG. GRCh37 (hg19) VCF-style: chr19-39055766-C-CGCGGGCGCGGCGGAG.
Other names: c.12788_12802dup, p.Ala4267_Glu4268insAlaGluAlaGlyAla (NM_001042723.2).
Identifiers: ClinVar variation 2649813 (VCV002649813.27), dbSNP rs938670458, ClinGen allele CA308109171.